The following is an entry in ClinVar:

NM_033100.4(CDHR1):c.1919C>T (p.Ala640Val)

Gene: CDHR1 (cadherin related family member 1; plus strand). Cytogenetic location: 10q23.1.
Variant type: single nucleotide variant.
Coding change: c.1919C>T on transcript NM_033100.4 (MANE Select); coding-DNA position 1919, C replaced by T.
Protein change: p.Ala640Val; replaces alanine 640 with valine.
Molecular consequence: missense variant.
Genome position (GRCh38, 1-based): chr10:84,213,227, C>T. VCF-style: chr10-84213227-C-T. GRCh37 (hg19) VCF-style: chr10-85972983-C-T.
Other names: c.1919C>T, p.Ala640Val (NM_001171971.3); short protein forms A640V.
Identifiers: ClinVar variation 1995592 (VCV001995592.2), dbSNP rs1361135707, ClinGen allele CA377378536.

ClinVar aggregate classification (germline): Uncertain significance (1 of 4 stars; one submission).

Allele frequency attached by ClinVar (database versions not stated): TOPMed below 0.00001; gnomAD 0.00001; gnomAD exomes 0.00001.
gnomAD v4.1: 12 of 1,614,116 alleles (0.00074%); highest among the groups gnomAD compares: Non-Finnish European, 0.001%; no homozygotes.

Submission:

Labcorp Genetics (formerly Invitae), Labcorp
Classification: Uncertain significance. Last evaluated: 2022-08-16. Review status: criteria provided, single submitter. Criteria: Invitae Variant Classification Sherloc (09022015). Collection method: clinical testing. Allele origin: germline.
Comment: This variant has not been reported in the literature in individuals affected with CDHR1-related conditions. In summary, the available evidence is currently insufficient to determine the role of this variant in disease. Therefore, it has been classified as a Variant of Uncertain Significance. Advanced modeling of protein sequence and biophysical properties (such as structural, functional, and spatial information, amino acid conservation, physicochemical variation, residue mobility, and thermodynamic stability) performed at Invitae indicates that this missense variant is not expected to disrupt CDHR1 protein function. This variant is present in population databases (no rsID available, gnomAD 0.002%). This sequence change replaces alanine, which is neutral and non-polar, with valine, which is neutral and non-polar, at codon 640 of the CDHR1 protein (p.Ala640Val).